The following is an entry in ClinVar:

NM_001205293.3(CACNA1E):c.2485C>T (p.Arg829Ter)

Gene: CACNA1E (calcium voltage-gated channel subunit alpha1 E; plus strand). Cytogenetic location: 1q25.3.
Variant type: single nucleotide variant.
Coding change: c.2485C>T on transcript NM_001205293.3 (MANE Select); coding-DNA position 2485, C replaced by T.
Protein change: p.Arg829Ter; replaces arginine 829 with a stop codon.
Molecular consequence: nonsense.
Genome position (GRCh38, 1-based): chr1:181,732,571, C>T. VCF-style: chr1-181732571-C-T. GRCh37 (hg19) VCF-style: chr1-181701707-C-T.
Other names: c.2485C>T, p.Arg829Ter (NM_000721.4); c.2428C>T, p.Arg810Ter (NM_001205294.2); short protein forms R810*, R829*.
Identifiers: ClinVar variation 3704359 (VCV003704359.2).
Genomic context (GRCh38, chr1:181,732,571, plus strand): 5'-AACCCCCTCAACCCGCTCAGCTCCCTCAACCCGCTCAATGCCCACCCCAGCCTTTATCGG[C>T]GACCCAGGGCCATTGAGGGCCTGGCCCTGGGCCTGGCCCTGGAGAAGTTCGAGGAGGAGC-3'

ClinVar aggregate classification (germline): Uncertain significance (1 of 4 stars; one submission).

gnomAD v4.1: 1 of 1,530,064 alleles (0.000065%); highest among the groups gnomAD compares: Non-Finnish European, 0.000088%; no homozygotes.

Submission:

Labcorp Genetics (formerly Invitae), Labcorp
Classification: Uncertain significance. Last evaluated: 2024-09-25. Review status: criteria provided, single submitter. Criteria: Invitae Variant Classification Sherloc (09022015). Collection method: clinical testing. Allele origin: germline.
Comment: This sequence change creates a premature translational stop signal (p.Arg829*) in the CACNA1E gene. It is expected to result in an absent or disrupted protein product. However, the current clinical and genetic evidence is not sufficient to establish whether loss-of-function variants in CACNA1E cause disease. This variant is not present in population databases (gnomAD no frequency). This premature translational stop signal has been observed in individual(s) with CACNA1E-related conditions (PMID: 30343943). In summary, the available evidence is currently insufficient to determine the role of this variant in disease. Therefore, it has been classified as a Variant of Uncertain Significance.

Literature cited by the submitters: PubMed 30343943.